The following is an entry in ClinVar:

ClinVar aggregate classification (germline): Conflicting classifications of pathogenicity. Review status: criteria provided, conflicting classifications (1 of 4 stars). 2 submissions from 2 submitters: Uncertain significance (1); Likely benign (1). Last evaluated 2025-10-14.

Allele frequency attached by ClinVar (database versions not stated): gnomAD exomes 0.00001 and 0.00006; ExAC 0.00006; gnomAD 0.00007 and 0.00009; TOPMed 0.00012; ESP Exome Variant Server 0.00023.

Submissions (2):

Mayo Clinic Laboratories, Mayo Clinic
Classification: Likely benign. Last evaluated: 2025-10-14. Review status: criteria provided, single submitter. Criteria: ACMG Guidelines, 2015. Collection method: clinical testing. Allele origin: germline. Observed: 2 variant alleles.
Comment: BS1, BP4_moderate

Labcorp Genetics (formerly Invitae), Labcorp
Classification: Uncertain significance. Last evaluated: 2025-07-21. Review status: criteria provided, single submitter. Criteria: Invitae Variant Classification Sherloc (09022015). Collection method: clinical testing. Allele origin: germline.
Comment: This sequence change replaces glutamic acid, which is acidic and polar, with lysine, which is basic and polar, at codon 919 of the AP3D1 protein (p.Glu919Lys). This variant is present in population databases (rs374563911, gnomAD 0.07%). This variant has not been reported in the literature in individuals affected with AP3D1-related conditions. ClinVar contains an entry for this variant (Variation ID: 1422998). An algorithm developed to predict the effect of missense changes on protein structure and function (PolyPhen-2) suggests that this variant is likely to be tolerated. In summary, the available evidence is currently insufficient to determine the role of this variant in disease. Therefore, it has been classified as a Variant of Uncertain Significance.

NM_001261826.3(AP3D1):c.2755G>A (p.Glu919Lys)

Gene: AP3D1 (adaptor related protein complex 3 subunit delta 1; minus strand). Cytogenetic location: 19p13.3.
Variant type: single nucleotide variant.
Coding change: c.2755G>A on transcript NM_001261826.3 (MANE Select); coding-DNA position 2755, G replaced by A.
Protein change: p.Glu919Lys; replaces glutamic acid 919 with lysine.
Molecular consequence: missense variant. On other transcripts: intron variant (1).
Genome position (GRCh38, 1-based): chr19:2,112,892, C>T on the plus strand (G>A on the coding strand, the complement: AP3D1 is on the minus strand). VCF-style: chr19-2112892-C-T. GRCh37 (hg19) VCF-style: chr19-2112891-C-T.
Other names: p.Glu919Lys; c.2719G>A, p.Glu907Lys (NM_001374799.1); c.2602-1064G>A (NM_003938.8); short protein forms E907K, E919K.
Identifiers: ClinVar variation 1422998 (VCV001422998.7), dbSNP rs374563911, ClinGen allele CA9058744.